The following is an entry in ClinVar:

ClinVar aggregate classification (germline): Likely benign. Review status: criteria provided, multiple submitters, no conflicts (2 of 4 stars). 4 submissions from 4 submitters: Likely benign (4). Last evaluated 2026-01-26.

Conditions:
Hereditary cancer-predisposing syndrome. Also called: Hereditary neoplastic syndrome; Tumor predisposition; Neoplastic Syndromes, Hereditary; Hereditary Cancer Syndrome. Identifiers: Orphanet 140162, MedGen C0027672, MeSH D009386, MONDO:0015356.
Hereditary diffuse gastric adenocarcinoma (HDGC). Also called: DIFFUSE GASTRIC AND LOBULAR BREAST CANCER SYNDROME. Identifiers: Orphanet 26106, MedGen C1708349, MONDO:0007648, OMIM 137215.

Allele frequency attached by ClinVar (database versions not stated): gnomAD exomes 0.00001.
gnomAD v4.1: 15 of 1,505,818 alleles (0.001%); highest among the groups gnomAD compares: South Asian, 0.0024%; no homozygotes.

Submissions (4):

Labcorp Genetics (formerly Invitae), Labcorp
Classification: Likely benign for Hereditary diffuse gastric adenocarcinoma. Last evaluated: 2026-01-26. Review status: criteria provided, single submitter. Criteria: Invitae Variant Classification Sherloc (09022015). Collection method: clinical testing. Allele origin: germline.

Center for Genomic Medicine, Rigshospitalet, Copenhagen University Hospital
Classification: Likely benign. Last evaluated: 2025-03-04. Review status: criteria provided, single submitter. Criteria: ACMG Guidelines, 2015. Collection method: clinical testing. Allele origin: germline.

Color Diagnostics, LLC DBA Color Health
Classification: Likely benign for Hereditary cancer-predisposing syndrome. Last evaluated: 2017-09-22. Review status: criteria provided, single submitter. Criteria: ACMG Guidelines, 2015. Collection method: clinical testing. Allele origin: germline.

GeneDx
Classification: Likely benign. Last evaluated: 2016-03-14. Review status: criteria provided, single submitter. Criteria: GeneDx Variant Classification (06012015). Collection method: clinical testing. Allele origin: germline. Affected: yes.
Comment: This variant is considered likely benign or benign based on one or more of the following criteria: it is a conservative change, it occurs at a poorly conserved position in the protein, it is predicted to be benign by multiple in silico algorithms, and/or has population frequency not consistent with disease.

NM_004360.5(CDH1):c.163+17G>C

Gene: CDH1 (cadherin 1; plus strand). Cytogenetic location: 16q22.1.
Variant type: single nucleotide variant.
Coding change: c.163+17G>C on transcript NM_004360.5 (MANE Select); 17 bases into the intron after coding-DNA position 163, G replaced by C.
Molecular consequence: intron variant.
Genome position (GRCh38, 1-based): chr16:68,738,428, G>C. VCF-style: chr16-68738428-G-C. GRCh37 (hg19) VCF-style: chr16-68772331-G-C.
Other names: c.163+17G>C (LRG_301t1, NM_001317184.2); c.-1453+17G>C (NM_001317185.2); c.-1657+17G>C (NM_001317186.2).
Identifiers: ClinVar variation 379591 (VCV000379591.17), dbSNP rs1005743424, ClinGen allele CA16607338.